The following is an entry in ClinVar:

ClinVar aggregate classification (germline): Conflicting classifications of pathogenicity. Review status: criteria provided, conflicting classifications (1 of 4 stars). 2 submissions from 2 submitters: Uncertain significance (1); Likely benign (1). Last evaluated 2025-09-01.

gnomAD v4.1: 3 of 1,614,174 alleles (0.00019%); highest among the groups gnomAD compares: Admixed American, 0.0033%; no homozygotes.

Submissions (2):

CeGaT Center for Human Genetics Tuebingen
Classification: Likely benign. Last evaluated: 2025-09-01. Review status: criteria provided, single submitter. Criteria: CeGaT Center For Human Genetics Tuebingen Variant Classification Criteria Version 2. Collection method: clinical testing. Allele origin: germline. Affected: yes. Observed: 1 variant allele.
Comment: FOXC2: BP4, BP7

Labcorp Genetics (formerly Invitae), Labcorp
Classification: Uncertain significance. Last evaluated: 2025-04-02. Review status: criteria provided, single submitter. Criteria: Invitae Variant Classification Sherloc (09022015). Collection method: clinical testing. Allele origin: germline.
Comment: This sequence change affects codon 106 of the FOXC2 mRNA. It is a 'silent' change, meaning that it does not change the encoded amino acid sequence of the FOXC2 protein. This variant is not present in population databases (gnomAD no frequency). This variant has not been reported in the literature in individuals affected with FOXC2-related conditions. In summary, the available evidence is currently insufficient to determine the role of this variant in disease. Therefore, it has been classified as a Variant of Uncertain Significance.

NM_005251.3(FOXC2):c.318C>T (p.Phe106=)

Genes: FOXC2 (forkhead box C2; plus strand), FOXC2-AS1 (FOXC2 antisense RNA 1; minus strand). Cytogenetic location: 16q24.1.
Variant type: single nucleotide variant.
Coding change: c.318C>T on transcript NM_005251.3 (MANE Select); coding-DNA position 318, C replaced by T.
Protein change: p.Phe106=; no amino-acid change (phenylalanine 106 retained).
Molecular consequence: synonymous variant. On other transcripts: non-coding transcript variant (1).
Genome position (GRCh38, 1-based): chr16:86,567,653, C>T. VCF-style: chr16-86567653-C-T. GRCh37 (hg19) VCF-style: chr16-86601259-C-T.
Identifiers: ClinVar variation 4281416 (VCV004281416.8).